The following is an entry in ClinVar:

NM_144991.3(TSPEAR):c.1426_1427del (p.Ala476fs)

Gene: TSPEAR (thrombospondin type laminin G domain and EAR repeats; minus strand). Cytogenetic location: 21q22.3.
Variant type: Microsatellite.
Coding change: c.1426_1427del on transcript NM_144991.3 (MANE Select); coding-DNA positions 1426 to 1427, 2 bases deleted (GC; older notation c.1426_1427delGC).
Protein change: p.Ala476fs; shifts the reading frame from alanine 476.
Molecular consequence: frameshift variant.
Genome position (GRCh38, 1-based): chr21:44,522,022-44,522,023, GC deleted on the plus strand (GC on the coding strand, the reverse complement: TSPEAR is on the minus strand); deleting any 2 consecutive bases within chr21:44,522,022-44,522,025 gives the same sequence; the c. name uses the placement nearest the transcript's 3' end. VCF-style (leftmost placement, unchanged base first): chr21-44522021-GGC-G. GRCh37 (hg19) VCF-style: chr21-45941904-GGC-G.
Other names: c.1222_1223del, p.Ala408fs (NM_001272037.2); short protein forms A408fs, A476fs.
Identifiers: ClinVar variation 4762877 (VCV004762877.1).

ClinVar aggregate classification (germline): Pathogenic (1 of 4 stars; one submission).

Submission:

Labcorp Genetics (formerly Invitae), Labcorp
Classification: Pathogenic. Last evaluated: 2025-12-20. Review status: criteria provided, single submitter. Criteria: Invitae Variant Classification Sherloc (09022015). Collection method: clinical testing. Allele origin: germline.
Comment: This sequence change creates a premature translational stop signal (p.Ala476Leufs*81) in the TSPEAR gene. It is expected to result in an absent or disrupted protein product. Loss-of-function variants in TSPEAR are known to be pathogenic (PMID: 34042254). This variant is present in population databases (no rsID available, gnomAD 0.0009%). This variant has not been reported in the literature in individuals affected with TSPEAR-related conditions. For these reasons, this variant has been classified as Pathogenic.

Literature cited by the submitters: PubMed 34042254.